The following is an entry in ClinVar:

ClinVar aggregate classification (germline): Uncertain significance. Review status: criteria provided, multiple submitters, no conflicts (2 of 4 stars). 2 submissions from 2 submitters: Uncertain significance (2). Last evaluated 2026-01-06.

Conditions:
Inborn genetic diseases. Identifiers: MedGen C0950123, MeSH D030342.
Dyskeratosis congenita, autosomal recessive 6 (DKCB6). Identifiers: MedGen C4225356, MONDO:0014600, OMIM 616353.
Pulmonary fibrosis and/or bone marrow failure, Telomere-related, 4. Also called: PULMONARY FIBROSIS AND/OR BONE MARROW FAILURE SYNDROME, TELOMERE-RELATED, 4. Identifiers: Orphanet 2032, MedGen C4225347, MONDO:0014612, OMIM 616371.

Allele frequency attached by ClinVar (database versions not stated): gnomAD 0.00001.
gnomAD v4.1: 13 of 1,613,598 alleles (0.00081%); highest among the groups gnomAD compares: East Asian, 0.011%; no homozygotes.

Submissions (2):

Labcorp Genetics (formerly Invitae), Labcorp
Classification: Uncertain significance for Dyskeratosis congenita, autosomal recessive 6; Pulmonary fibrosis and/or bone marrow failure, Telomere-related, 4. Last evaluated: 2026-01-06. Review status: criteria provided, single submitter. Criteria: Invitae Variant Classification Sherloc (09022015). Collection method: clinical testing. Allele origin: germline.
Comment: This sequence change replaces aspartic acid, which is acidic and polar, with tyrosine, which is neutral and polar, at codon 595 of the PARN protein (p.Asp595Tyr). This variant is present in population databases (rs767702074, gnomAD 0.006%). This variant has not been reported in the literature in individuals affected with PARN-related conditions. ClinVar contains an entry for this variant (Variation ID: 1425294). An algorithm developed to predict the effect of missense changes on protein structure and function (PolyPhen-2) suggests that this variant is likely to be disruptive. In summary, the available evidence is currently insufficient to determine the role of this variant in disease. Therefore, it has been classified as a Variant of Uncertain Significance.

Ambry Genetics
Classification: Uncertain significance for Inborn genetic diseases. Last evaluated: 2023-02-15. Review status: criteria provided, single submitter. Criteria: Ambry Variant Classification Scheme 2023. Collection method: clinical testing. Allele origin: germline.

NM_002582.4(PARN):c.1783G>T (p.Asp595Tyr)

Gene: PARN (poly(A)-specific ribonuclease; minus strand). Cytogenetic location: 16p13.12.
Variant type: single nucleotide variant.
Coding change: c.1783G>T on transcript NM_002582.4 (MANE Select); coding-DNA position 1783, G replaced by T.
Protein change: p.Asp595Tyr; replaces aspartic acid 595 with tyrosine.
Molecular consequence: missense variant.
Genome position (GRCh38, 1-based): chr16:14,446,969, C>A on the plus strand (G>T on the coding strand, the complement: PARN is on the minus strand). VCF-style: chr16-14446969-C-A. GRCh37 (hg19) VCF-style: chr16-14540826-C-A.
Other names: c.1600G>T, p.Asp534Tyr (NM_001134477.3); c.1645G>T, p.Asp549Tyr (NM_001242992.2); c.1783G>T (NM_002582.3); short protein forms D534Y, D549Y, D595Y.
Identifiers: ClinVar variation 1425294 (VCV001425294.8), dbSNP rs767702074, ClinGen allele CA7911930.